The following is an entry in ClinVar:

ClinVar aggregate classification (germline): Likely benign (1 of 4 stars; one submission).

gnomAD v4.1: 118 of 1,613,964 alleles (0.0073%); highest among the groups gnomAD compares: Non-Finnish European, 0.0096%; no homozygotes.

Submission:

Mayo Clinic Laboratories, Mayo Clinic
Classification: Likely benign. Last evaluated: 2025-05-27. Review status: criteria provided, single submitter. Criteria: ACMG Guidelines, 2015. Collection method: clinical testing. Allele origin: germline. Observed: 2 variant alleles.
Comment: BS2, BP5

Literature cited by the submitters: PubMed 17477860.

NM_032564.5(DGAT2):c.1153C>G (p.Leu385Val)

Gene: DGAT2 (diacylglycerol O-acyltransferase 2; plus strand). Cytogenetic location: 11q13.5.
Variant type: single nucleotide variant.
Coding change: c.1153C>G on transcript NM_032564.5 (MANE Select); coding-DNA position 1153, C replaced by G.
Protein change: p.Leu385Val; replaces leucine 385 with valine.
Molecular consequence: missense variant.
Genome position (GRCh38, 1-based): chr11:75,800,494, C>G. VCF-style: chr11-75800494-C-G. GRCh37 (hg19) VCF-style: chr11-75511539-C-G.
Other names: p.Leu385Val; c.1024C>G, p.Leu342Val (NM_001253891.2); short protein forms L342V, L385V.
Identifiers: ClinVar variation 4683661 (VCV004683661.1).